The following is an entry in ClinVar:

ClinVar aggregate classification (germline): Uncertain significance. Review status: criteria provided, multiple submitters, no conflicts (2 of 4 stars). 2 submissions from 2 submitters: Uncertain significance (2). Last evaluated 2025-11-20.

Conditions:
Inborn genetic diseases. Identifiers: MedGen C0950123, MeSH D030342.

gnomAD v4.1: 7 of 1,614,182 alleles (0.00043%); highest among the groups gnomAD compares: Middle Eastern, 0.016%; 1 homozygote.

Submissions (2):

Ambry Genetics
Classification: Uncertain significance for Inborn genetic diseases. Last evaluated: 2025-11-20. Review status: criteria provided, single submitter. Criteria: Ambry Variant Classification Scheme 2023. Collection method: clinical testing. Allele origin: germline.

Labcorp Genetics (formerly Invitae), Labcorp
Classification: Uncertain significance. Last evaluated: 2024-07-30. Review status: criteria provided, single submitter. Criteria: Invitae Variant Classification Sherloc (09022015). Collection method: clinical testing. Allele origin: germline.
Comment: This sequence change replaces alanine, which is neutral and non-polar, with threonine, which is neutral and polar, at codon 761 of the UNC45A protein (p.Ala761Thr). This variant is not present in population databases (gnomAD no frequency). This variant has not been reported in the literature in individuals affected with UNC45A-related conditions. Advanced modeling of protein sequence and biophysical properties (such as structural, functional, and spatial information, amino acid conservation, physicochemical variation, residue mobility, and thermodynamic stability) performed at Invitae indicates that this missense variant is not expected to disrupt UNC45A protein function with a negative predictive value of 80%. In summary, the available evidence is currently insufficient to determine the role of this variant in disease. Therefore, it has been classified as a Variant of Uncertain Significance.

NM_018671.5(UNC45A):c.2281G>A (p.Ala761Thr)

Gene: UNC45A (unc-45 myosin chaperone A; plus strand). Cytogenetic location: 15q26.1.
Variant type: single nucleotide variant.
Coding change: c.2281G>A on transcript NM_018671.5 (MANE Select); coding-DNA position 2281, G replaced by A.
Protein change: p.Ala761Thr; replaces alanine 761 with threonine.
Molecular consequence: missense variant.
Genome position (GRCh38, 1-based): chr15:90,950,593, G>A. VCF-style: chr15-90950593-G-A. GRCh37 (hg19) VCF-style: chr15-91493823-G-A.
Other names: c.2236G>A, p.Ala746Thr (NM_001039675.2, NM_001323621.2); c.2281G>A, p.Ala761Thr (NM_001323619.1); c.1846G>A, p.Ala616Thr (NM_001323620.2); c.2281G>A (NM_018671.3); short protein forms A616T, A746T, A761T.
Identifiers: ClinVar variation 3625200 (VCV003625200.3).